The following is an entry in ClinVar:

ClinVar aggregate classification (germline): Uncertain significance. Review status: criteria provided, multiple submitters, no conflicts (2 of 4 stars). 2 submissions from 2 submitters: Uncertain significance (2). Last evaluated 2022-10-27.

Conditions:
Sulfite oxidase deficiency due to molybdenum cofactor deficiency type A. Also called: Molybdenum cofactor deficiency, complementation group A; Molybdenum Cofactor Deficiency A. Identifiers: Orphanet 308386, Orphanet 833, MedGen C1854988, MONDO:0009643, OMIM 252150.
Inborn genetic diseases. Identifiers: MedGen C0950123, MeSH D030342.

Submissions (2):

Ambry Genetics
Classification: Uncertain significance for Inborn genetic diseases. Last evaluated: 2022-10-27. Review status: criteria provided, single submitter. Criteria: Ambry Variant Classification Scheme 2023. Collection method: clinical testing. Allele origin: germline.

Labcorp Genetics (formerly Invitae), Labcorp
Classification: Uncertain significance for Sulfite oxidase deficiency due to molybdenum cofactor deficiency type A. Last evaluated: 2022-10-24. Review status: criteria provided, single submitter. Criteria: Invitae Variant Classification Sherloc (09022015). Collection method: clinical testing. Allele origin: germline.
Comment: Algorithms developed to predict the effect of missense changes on protein structure and function are either unavailable or do not agree on the potential impact of this missense change (SIFT: "Tolerated"; PolyPhen-2: "Not Available"; Align-GVGD: "Class C0"). ClinVar contains an entry for this variant (Variation ID: 1377101). This variant has not been reported in the literature in individuals affected with MOCS1-related conditions. This variant is not present in population databases (gnomAD no frequency). This sequence change replaces leucine, which is neutral and non-polar, with phenylalanine, which is neutral and non-polar, at codon 13 of the MOCS1 protein (p.Leu13Phe). In summary, the available evidence is currently insufficient to determine the role of this variant in disease. Therefore, it has been classified as a Variant of Uncertain Significance.

NM_001358530.2(MOCS1):c.37C>T (p.Leu13Phe)

Gene: MOCS1 (molybdenum cofactor synthesis 1; minus strand). Cytogenetic location: 6p21.2.
Variant type: single nucleotide variant.
Coding change: c.37C>T on transcript NM_001358530.2 (MANE Select); coding-DNA position 37, C replaced by T.
Protein change: p.Leu13Phe; replaces leucine 13 with phenylalanine.
Molecular consequence: missense variant. On other transcripts: 5 prime UTR variant (2), non-coding transcript variant (1).
Genome position (GRCh38, 1-based): chr6:39,934,381, G>A on the plus strand (C>T on the coding strand, the complement: MOCS1 is on the minus strand). VCF-style: chr6-39934381-G-A. GRCh37 (hg19) VCF-style: chr6-39902120-G-A.
Other names: c.37C>T (NM_001075098.3); c.37C>T, p.Leu13Phe (NM_001075098.4, NM_001358529.2); c.-98C>T (NM_001358531.2, NM_001358533.2); short protein forms L13F.
Identifiers: ClinVar variation 1377101 (VCV001377101.9), dbSNP rs2149429501, ClinGen allele CA364030706.
Genomic context (GRCh38, chr6:39,934,381, plus strand): 5'-CGGGGCAGGGCTGGGTCACCGGAGCCCCTGAGCTGCAGCTCCGGGCGCTGGACCTCAGAA[G>A]CCGCCGCAGCATCCGGGACAGTGGCCGCGCCGCCATGAAGCCTGATACGAGCGGAACCGC-3'
Protein context (NP_001345459.1, residues 3-23): ARPLSRMLRR[Leu13Phe]LRSSARSCSS